The following is an entry in ClinVar:

ClinVar aggregate classification (germline): Pathogenic. Review status: criteria provided, multiple submitters, no conflicts (2 of 4 stars). 2 submissions from 2 submitters: Pathogenic (2). Last evaluated 2025-01-29.

Conditions:
Combined immunodeficiency with skin granulomas. Identifiers: Orphanet 157949, MedGen C2673536, MONDO:0009306, OMIM 233650.
Severe combined immunodeficiency, autosomal recessive, T cell-negative, B cell-negative, NK cell-positive. Also called: SCID, AR, T-cell negative, B-cell negative, NK cell-positive; SCID, T CELL-NEGATIVE, B CELL-NEGATIVE, NK CELL-POSITIVE; Severe combined immunodeficiency due to complete RAG1/2 deficiency. Identifiers: Orphanet 331206, MedGen C1832322, MONDO:0011086, OMIM 601457.

Allele frequency attached by ClinVar (database versions not stated): TOPMed 0.00001.

Submissions (2):

Labcorp Genetics (formerly Invitae), Labcorp
Classification: Pathogenic for Combined immunodeficiency with skin granulomas; Severe combined immunodeficiency, autosomal recessive, T cell-negative, B cell-negative, NK cell-positive. Last evaluated: 2025-01-29. Review status: criteria provided, single submitter. Criteria: Invitae Variant Classification Sherloc (09022015). Collection method: clinical testing. Allele origin: germline.
Comment: This sequence change replaces arginine, which is basic and polar, with tryptophan, which is neutral and slightly polar, at codon 778 of the RAG1 protein (p.Arg778Trp). This variant is present in population databases (no rsID available, gnomAD 0.0009%). This missense change has been observed in individuals with severe combined immunodeficiency or Omenn syndrome (PMID: 16960852, 24144642, 24290284, 26476733). ClinVar contains an entry for this variant (Variation ID: 802672). Invitae Evidence Modeling of protein sequence and biophysical properties (such as structural, functional, and spatial information, amino acid conservation, physicochemical variation, residue mobility, and thermodynamic stability) has been performed for this missense variant. However, the output from this modeling did not meet the statistical confidence thresholds required to predict the impact of this variant on RAG1 protein function. Experimental studies have shown that this missense change affects RAG1 function (PMID: 24290284, 25849362). For these reasons, this variant has been classified as Pathogenic.

Mendelics
Classification: Pathogenic for Combined immunodeficiency with skin granulomas. Last evaluated: 2019-05-28. Review status: criteria provided, single submitter. Criteria: Mendelics Assertion Criteria 2017. Collection method: clinical testing. Allele origin: unknown.

Literature cited by the submitters: PubMed 16960852 (cited by Labcorp Genetics (formerly Invitae), Labcorp); PubMed 24144642 (cited by Labcorp Genetics (formerly Invitae), Labcorp); PubMed 24290284 (cited by Labcorp Genetics (formerly Invitae), Labcorp); PubMed 26476733 (cited by Labcorp Genetics (formerly Invitae), Labcorp); PubMed 25849362 (cited by Labcorp Genetics (formerly Invitae), Labcorp).

NM_000448.3(RAG1):c.2332C>T (p.Arg778Trp)

Gene: RAG1 (recombination activating 1; plus strand). Cytogenetic location: 11p12.
Variant type: single nucleotide variant.
Coding change: c.2332C>T on transcript NM_000448.3 (MANE Select); coding-DNA position 2332, C replaced by T.
Protein change: p.Arg778Trp; replaces arginine 778 with tryptophan.
Molecular consequence: missense variant.
Genome position (GRCh38, 1-based): chr11:36,575,636, C>T. VCF-style: chr11-36575636-C-T. GRCh37 (hg19) VCF-style: chr11-36597186-C-T.
Other names: c.2332C>T, p.Arg778Trp (NM_001377278.1, NM_001377279.1, NM_001377280.1 and 1 more transcripts); short protein forms R778W.
Identifiers: ClinVar variation 802672 (VCV000802672.9), dbSNP rs752020152, ClinGen allele CA380154489.